The following is an entry in ClinVar:

NM_001852.4(COL9A2):c.908del (p.Pro303fs)

Gene: COL9A2 (collagen type IX alpha 2 chain; minus strand). Cytogenetic location: 1p34.2.
Variant type: Deletion.
Coding change: c.908del on transcript NM_001852.4 (MANE Select); coding-DNA position 908, one base deleted (C; older notation c.908delC).
Protein change: p.Pro303fs; shifts the reading frame from proline 303.
Molecular consequence: frameshift variant.
Genome position (GRCh38, 1-based): chr1:40,307,749, G deleted on the plus strand (C on the coding strand, the reverse complement: COL9A2 is on the minus strand); the first of 6 consecutive G bases (chr1:40,307,749-40,307,754); deleting any one gives the same sequence. VCF-style (leftmost placement, unchanged base first): chr1-40307748-TG-T. GRCh37 (hg19) VCF-style: chr1-40773420-TG-T.
Other names: short protein forms P303fs.
Identifiers: ClinVar variation 1519818 (VCV001519818.6), dbSNP rs1644052943, ClinGen allele CA645526764.

ClinVar aggregate classification (germline): Pathogenic (1 of 4 stars; one submission).

Submission:

Labcorp Genetics (formerly Invitae), Labcorp
Classification: Pathogenic. Last evaluated: 2022-02-18. Review status: criteria provided, single submitter. Criteria: Invitae Variant Classification Sherloc (09022015). Collection method: clinical testing. Allele origin: germline.
Comment: This sequence change creates a premature translational stop signal (p.Pro303Glnfs*15) in the COL9A2 gene. It is expected to result in an absent or disrupted protein product. Loss-of-function variants in COL9A2 are known to be pathogenic (PMID: 21671392, 33356723). This variant is not present in population databases (gnomAD no frequency). This variant has not been reported in the literature in individuals affected with COL9A2-related conditions. For these reasons, this variant has been classified as Pathogenic.

Literature cited by the submitters: PubMed 21671392; PubMed 33356723.